The following is an entry in ClinVar:

ClinVar aggregate classification (germline): Uncertain significance (1 of 4 stars; one submission).

Allele frequency attached by ClinVar (database versions not stated): TOPMed 0.00001; gnomAD exomes 0.00001; gnomAD 0.00001.
gnomAD v4.1: 8 of 1,614,060 alleles (0.0005%); highest among the groups gnomAD compares: East Asian, 0.013%; no homozygotes.

Submission:

Labcorp Genetics (formerly Invitae), Labcorp
Classification: Uncertain significance. Last evaluated: 2024-02-23. Review status: criteria provided, single submitter. Criteria: Invitae Variant Classification Sherloc (09022015). Collection method: clinical testing. Allele origin: germline.
Comment: This sequence change replaces valine, which is neutral and non-polar, with methionine, which is neutral and non-polar, at codon 3658 of the HSPG2 protein (p.Val3658Met). This variant is not present in population databases (gnomAD no frequency). This variant has not been reported in the literature in individuals affected with HSPG2-related conditions. ClinVar contains an entry for this variant (Variation ID: 2059447). An algorithm developed to predict the effect of missense changes on protein structure and function (PolyPhen-2) suggests that this variant is likely to be disruptive. In summary, the available evidence is currently insufficient to determine the role of this variant in disease. Therefore, it has been classified as a Variant of Uncertain Significance.

NM_005529.7(HSPG2):c.10972G>A (p.Val3658Met)

Gene: HSPG2 (heparan sulfate proteoglycan 2; minus strand). Cytogenetic location: 1p36.12.
Variant type: single nucleotide variant.
Coding change: c.10972G>A on transcript NM_005529.7 (MANE Select); coding-DNA position 10972, G replaced by A.
Protein change: p.Val3658Met; replaces valine 3658 with methionine.
Molecular consequence: missense variant.
Genome position (GRCh38, 1-based): chr1:21,833,473, C>T on the plus strand (G>A on the coding strand, the complement: HSPG2 is on the minus strand). VCF-style: chr1-21833473-C-T. GRCh37 (hg19) VCF-style: chr1-22159966-C-T.
Other names: c.10975G>A, p.Val3659Met (NM_001291860.2); short protein forms V3658M, V3659M.
Identifiers: ClinVar variation 2059447 (VCV002059447.4), dbSNP rs2098013436, ClinGen allele CA338906927.